The following is an entry in ClinVar:

ClinVar aggregate classification (germline): Likely benign. Review status: criteria provided, multiple submitters, no conflicts (2 of 4 stars). 4 submissions from 4 submitters: Likely benign (3). 1 of the submissions does not count toward it. Last evaluated 2026-01-22.

Conditions:
BLNK-related disorder. Also called: BLNK-related condition.
Agammaglobulinemia 4, autosomal recessive (AGM4). Also called: B cell linker protein deficiency; AGAMMAGLOBULINEMIA, AUTOSOMAL RECESSIVE, DUE TO BLNK DEFECT. Identifiers: MedGen C3150752, MONDO:0013289, OMIM 613502.

Allele frequency attached by ClinVar (database versions not stated): gnomAD exomes 0.00006 and 0.00015; 1000 Genomes Project 0.00020; ExAC 0.00023; 1000 Genomes Project 30x 0.00031; gnomAD 0.00058 and 0.00064; ESP Exome Variant Server 0.00069; TOPMed 0.00069.
gnomAD v4.1: 182 of 1,611,422 alleles (0.011%); highest among the groups gnomAD compares: African/African-American, 0.17%; 1 homozygote.

Submissions (4):

Women's Health and Genetics/Laboratory Corporation of America, LabCorp
Classification: Likely benign. Last evaluated: 2026-01-22. Review status: criteria provided, single submitter. Criteria: LabCorp Variant Classification Summary - May 2015. Collection method: clinical testing. Allele origin: germline.

Labcorp Genetics (formerly Invitae), Labcorp
Classification: Likely benign for Agammaglobulinemia 4, autosomal recessive. Last evaluated: 2025-12-03. Review status: criteria provided, single submitter. Criteria: Invitae Variant Classification Sherloc (09022015). Collection method: clinical testing. Allele origin: germline.

Blueprint Genetics
Classification: Likely benign. Last evaluated: 2024-10-18. Review status: criteria provided, single submitter. Criteria: ACMG Guidelines, 2015. Collection method: clinical testing. Allele origin: germline.

PreventionGenetics, part of Exact Sciences
Classification: Likely benign for BLNK-related condition. Last evaluated: 2019-03-18. Review status: no assertion criteria provided. Collection method: clinical testing. Allele origin: germline. Not counted in ClinVar's aggregate classification.
Comment: This variant is classified as likely benign based on ACMG/AMP sequence variant interpretation guidelines (Richards et al. 2015 PMID: 25741868, with internal and published modifications).

NM_013314.4(BLNK):c.177C>T (p.Asp59=)

Gene: BLNK (B cell linker; minus strand). Cytogenetic location: 10q24.1.
Variant type: single nucleotide variant.
Coding change: c.177C>T on transcript NM_013314.4 (MANE Select); coding-DNA position 177, C replaced by T.
Protein change: p.Asp59=; no amino-acid change (aspartic acid 59 retained).
Molecular consequence: synonymous variant. On other transcripts: non-coding transcript variant (4).
Genome position (GRCh38, 1-based): chr10:96,230,821, G>A on the plus strand (C>T on the coding strand, the complement: BLNK is on the minus strand). VCF-style: chr10-96230821-G-A. GRCh37 (hg19) VCF-style: chr10-97990577-G-A.
Other names: c.177C>T, p.Asp59= (NM_001114094.2, NM_001258440.2, NM_001258441.2 and 1 more transcripts).
Identifiers: ClinVar variation 735625 (VCV000735625.15), dbSNP rs140266229, ClinGen allele CA5623563.